The following is an entry in ClinVar:

ClinVar aggregate classification (germline): Pathogenic (1 of 4 stars; one submission).

Conditions:
Duchenne muscular dystrophy (DMD). Also called: MUSCULAR DYSTROPHY, PSEUDOHYPERTROPHIC PROGRESSIVE, DUCHENNE TYPE; Duchenne Muscular Dystrophy (DMD). Identifiers: Orphanet 98896, MedGen C0013264, MONDO:0010679, OMIM 310200.

Submission:

Labcorp Genetics (formerly Invitae), Labcorp
Classification: Pathogenic for Duchenne muscular dystrophy. Last evaluated: 2019-12-16. Review status: criteria provided, single submitter. Criteria: Invitae Variant Classification Sherloc (09022015). Collection method: clinical testing. Allele origin: germline.
Comment: This variant is a gross deletion of the genomic region encompassing exons 3-7 of the DMD gene. This deletion is expected to create a premature translational stop signal and result in an absent or disrupted protein product. This variant has been reported in many (>10) individuals affected with BMD, DMD and intermediate phenotypes (PMID: 8353493, 1496988, 2063877, 7825572, 16566881, 15723292, 16030524, 18752307, 22090376, 22510846, 24099565). Experimental studies of muscle biopsies from patients carrying this variant have detected reduced expression of Dystrophin of a slightly lower molecular weight than wild-type protein (PMID: 1496988, 2063877, 7825572, 8317478, 8353493). It has been proposed that this expression arises from minor splice-isoforms of DMD that do not include exons 3-7 (PMID: 2261642, 8317478) or from use of an alternative initiator codon in exon 8 (PMID: 1496988, 7825572, 8353493). In summary, this variant has been reported in many patients affected with DMD-related disease, and experimental studies show that it leads to reduced expression of an altered DMD protein product. For these reasons, this variant has been classified as Pathogenic.

Literature cited by the submitters: PubMed 8317478; PubMed 22510846; PubMed 22090376; PubMed 16030524; PubMed 18752307; PubMed 15723292; PubMed 16566881; PubMed 24099565; PubMed 8353493; PubMed 1496988; PubMed 2063877; PubMed 2261642; PubMed 7825572.

NC_000023.11:g.(?_32809483)_(32849830_?)del

Gene: DMD (dystrophin; minus strand). Cytogenetic location: Xp21.1.
Variant type: Deletion.
Identifiers: ClinVar variation 658441 (VCV000658441.2).